The following is an entry in ClinVar:

NM_004285.4(H6PD):c.80C>T (p.Ser27Phe)

Gene: H6PD (hexose-6-phosphate dehydrogenase/glucose 1-dehydrogenase; plus strand). Cytogenetic location: 1p36.22.
Variant type: single nucleotide variant.
Coding change: c.80C>T on transcript NM_004285.4 (MANE Select); coding-DNA position 80, C replaced by T.
Protein change: p.Ser27Phe; replaces serine 27 with phenylalanine.
Molecular consequence: missense variant.
Genome position (GRCh38, 1-based): chr1:9,245,014, C>T. VCF-style: chr1-9245014-C-T. GRCh37 (hg19) VCF-style: chr1-9305073-C-T.
Other names: c.113C>T, p.Ser38Phe (NM_001282587.2); short protein forms S27F, S38F.
Identifiers: ClinVar variation 1970612 (VCV001970612.5), dbSNP rs1444732814, ClinGen allele CA338187088.

ClinVar aggregate classification (germline): Uncertain significance (1 of 4 stars; one submission).

Allele frequency attached by ClinVar (database versions not stated): TOPMed below 0.00001; gnomAD 0.00001.
gnomAD v4.1: 21 of 1,614,060 alleles (0.0013%); highest among the groups gnomAD compares: East Asian, 0.0022%; no homozygotes.

Submission:

Labcorp Genetics (formerly Invitae), Labcorp
Classification: Uncertain significance. Last evaluated: 2022-10-05. Review status: criteria provided, single submitter. Criteria: Invitae Variant Classification Sherloc (09022015). Collection method: clinical testing. Allele origin: germline.
Comment: In summary, the available evidence is currently insufficient to determine the role of this variant in disease. Therefore, it has been classified as a Variant of Uncertain Significance. Advanced modeling of protein sequence and biophysical properties (such as structural, functional, and spatial information, amino acid conservation, physicochemical variation, residue mobility, and thermodynamic stability) has been performed at Invitae for this missense variant, however the output from this modeling did not meet the statistical confidence thresholds required to predict the impact of this variant on H6PD protein function. This variant has not been reported in the literature in individuals affected with H6PD-related conditions. This variant is present in population databases (no rsID available, gnomAD 0.0009%). This sequence change replaces serine, which is neutral and polar, with phenylalanine, which is neutral and non-polar, at codon 27 of the H6PD protein (p.Ser27Phe).